The following is an entry in ClinVar:

ClinVar aggregate classification (germline): Uncertain significance. Review status: criteria provided, multiple submitters, no conflicts (2 of 4 stars). 2 submissions from 2 submitters: Uncertain significance (2). Last evaluated 2025-08-24.

Conditions:
Autosomal dominant limb-girdle muscular dystrophy type 1G (LGMDD3). Also called: Limb-girdle muscular dystrophy, type 1G; MUSCULAR DYSTROPHY, LIMB-GIRDLE, AUTOSOMAL DOMINANT 3. Identifiers: Orphanet 55596, MedGen C1836765, MONDO:0012193, OMIM 609115.

Allele frequency attached by ClinVar (database versions not stated): gnomAD 0.00001; gnomAD exomes 0.00001; TOPMed 0.00003.
gnomAD v4.1: 6 of 1,374,020 alleles (0.00044%); highest among the groups gnomAD compares: Admixed American, 0.012%; no homozygotes.

Submissions (2):

Ambry Genetics
Classification: Uncertain significance. Last evaluated: 2025-08-24. Review status: criteria provided, single submitter. Criteria: Ambry Variant Classification Scheme 2023. Collection method: clinical testing. Allele origin: germline.

Labcorp Genetics (formerly Invitae), Labcorp
Classification: Uncertain significance for Autosomal dominant limb-girdle muscular dystrophy type 1G. Last evaluated: 2025-01-04. Review status: criteria provided, single submitter. Criteria: Invitae Variant Classification Sherloc (09022015). Collection method: clinical testing. Allele origin: germline.
Comment: This sequence change replaces leucine, which is neutral and non-polar, with serine, which is neutral and polar, at codon 22 of the HNRNPDL protein (p.Leu22Ser). This variant is not present in population databases (gnomAD no frequency). This variant has not been reported in the literature in individuals affected with HNRNPDL-related conditions. ClinVar contains an entry for this variant (Variation ID: 953944). An algorithm developed to predict the effect of missense changes on protein structure and function (PolyPhen-2) suggests that this variant is likely to be disruptive. In summary, the available evidence is currently insufficient to determine the role of this variant in disease. Therefore, it has been classified as a Variant of Uncertain Significance.

NM_031372.4(HNRNPDL):c.65T>C (p.Leu22Ser)

Gene: HNRNPDL (heterogeneous nuclear ribonucleoprotein D like; minus strand). Cytogenetic location: 4q21.22.
Variant type: single nucleotide variant.
Coding change: c.65T>C on transcript NM_031372.4 (MANE Select); coding-DNA position 65, T replaced by C.
Protein change: p.Leu22Ser; replaces leucine 22 with serine.
Molecular consequence: missense variant. On other transcripts: non-coding transcript variant (1).
Genome position (GRCh38, 1-based): chr4:82,429,626, A>G on the plus strand (T>C on the coding strand, the complement: HNRNPDL is on the minus strand). VCF-style: chr4-82429626-A-G. GRCh37 (hg19) VCF-style: chr4-83350779-A-G.
Other names: c.65T>C, p.Leu22Ser (NM_001207000.1); short protein forms L22S.
Identifiers: ClinVar variation 953944 (VCV000953944.12), dbSNP rs1267817044, ClinGen allele CA357173870.